The following is an entry in ClinVar:

NM_014263.4(YME1L1):c.168+1364G>A

Gene: YME1L1 (YME1 like 1 ATPase; minus strand). Cytogenetic location: 10p12.1.
Variant type: single nucleotide variant.
Coding change: c.168+1364G>A on transcript NM_014263.4 (MANE Select); 1364 bases into the intron after coding-DNA position 168, G replaced by A.
Molecular consequence: intron variant. On other transcripts: missense variant (1).
Genome position (GRCh38, 1-based): chr10:27,147,542, C>T on the plus strand (G>A on the coding strand, the complement: YME1L1 is on the minus strand). VCF-style: chr10-27147542-C-T. GRCh37 (hg19) VCF-style: chr10-27436471-C-T.
Other names: c.295G>A, p.Asp99Asn (NM_139312.3); c.168+1364G>A (NM_001253866.2); short protein forms D99N.
Identifiers: ClinVar variation 2258530 (VCV002258530.6), dbSNP rs772739301, ClinGen allele CA5449715.

ClinVar aggregate classification (germline): Uncertain significance. Review status: criteria provided, multiple submitters, no conflicts (2 of 4 stars). 2 submissions from 2 submitters: Uncertain significance (2). Last evaluated 2025-01-02.

Allele frequency attached by ClinVar (database versions not stated): ExAC 0.00003; gnomAD 0.00005; TOPMed 0.00006.
gnomAD v4.1: 20 of 1,611,304 alleles (0.0012%); highest among the groups gnomAD compares: African/African-American, 0.013%; no homozygotes.

Submissions (2):

Ambry Genetics
Classification: Uncertain significance. Last evaluated: 2025-01-02. Review status: criteria provided, single submitter. Criteria: Ambry Variant Classification Scheme 2023. Collection method: clinical testing. Allele origin: germline.

Labcorp Genetics (formerly Invitae), Labcorp
Classification: Uncertain significance. Last evaluated: 2024-10-24. Review status: criteria provided, single submitter. Criteria: Invitae Variant Classification Sherloc (09022015). Collection method: clinical testing. Allele origin: germline.
Comment: This sequence change replaces aspartic acid, which is acidic and polar, with asparagine, which is neutral and polar, at codon 99 of the YME1L1 protein (p.Asp99Asn). This variant is present in population databases (rs772739301, gnomAD 0.01%). This variant has not been reported in the literature in individuals affected with YME1L1-related conditions. ClinVar contains an entry for this variant (Variation ID: 2258530). An algorithm developed to predict the effect of missense changes on protein structure and function (PolyPhen-2) suggests that this variant is likely to be tolerated. In summary, the available evidence is currently insufficient to determine the role of this variant in disease. Therefore, it has been classified as a Variant of Uncertain Significance.